The following is an entry in ClinVar:

NM_000553.6(WRN):c.3692A>G (p.Asp1231Gly)

Gene: WRN (WRN RecQ like helicase; plus strand). Cytogenetic location: 8p12.
Variant type: single nucleotide variant.
Coding change: c.3692A>G on transcript NM_000553.6 (MANE Select); coding-DNA position 3692, A replaced by G.
Protein change: p.Asp1231Gly; replaces aspartic acid 1231 with glycine.
Molecular consequence: missense variant.
Genome position (GRCh38, 1-based): chr8:31,154,628, A>G. VCF-style: chr8-31154628-A-G. GRCh37 (hg19) VCF-style: chr8-31012144-A-G.
Other names: short protein forms D1231G.
Identifiers: ClinVar variation 3024018 (VCV003024018.3), dbSNP rs2536056332, ClinGen allele CA370928825.

ClinVar aggregate classification (germline): Uncertain significance (1 of 4 stars; one submission).

Conditions:
Werner syndrome (WRN). Identifiers: Orphanet 902, MedGen C0043119, MONDO:0010196, OMIM 277700.

Submission:

Labcorp Genetics (formerly Invitae), Labcorp
Classification: Uncertain significance for Werner syndrome. Last evaluated: 2023-01-24. Review status: criteria provided, single submitter. Criteria: Invitae Variant Classification Sherloc (09022015). Collection method: clinical testing. Allele origin: germline.
Comment: In summary, the available evidence is currently insufficient to determine the role of this variant in disease. Therefore, it has been classified as a Variant of Uncertain Significance. An algorithm developed to predict the effect of missense changes on protein structure and function (PolyPhen-2) suggests that this variant is likely to be disruptive. This variant has not been reported in the literature in individuals affected with WRN-related conditions. This variant is not present in population databases (gnomAD no frequency). This sequence change replaces aspartic acid, which is acidic and polar, with glycine, which is neutral and non-polar, at codon 1231 of the WRN protein (p.Asp1231Gly).